The following is an entry in ClinVar:

ClinVar aggregate classification (germline): Pathogenic (1 of 4 stars; one submission).

Conditions:
Familial cancer of breast. Also called: hereditary breast carcinoma; Hereditary breast cancer; BREAST CANCER, FAMILIAL. Identifiers: Orphanet 227535, MedGen C0346153, MONDO:0016419, OMIM 114480. Disease mechanism: loss of function.

Submission:

Labcorp Genetics (formerly Invitae), Labcorp
Classification: Pathogenic for Familial cancer of breast. Last evaluated: 2024-04-22. Review status: criteria provided, single submitter. Criteria: Invitae Variant Classification Sherloc (09022015). Collection method: clinical testing. Allele origin: germline.
Comment: This sequence change creates a premature translational stop signal (p.Thr323Metfs*17) in the CHEK2 gene. It is expected to result in an absent or disrupted protein product. Loss-of-function variants in CHEK2 are known to be pathogenic (PMID: 21876083, 24713400). This variant is not present in population databases (gnomAD no frequency). This variant has not been reported in the literature in individuals affected with CHEK2-related conditions. ClinVar contains an entry for this variant (Variation ID: 1076590). For these reasons, this variant has been classified as Pathogenic.

Literature cited by the submitters: PubMed 21876083; PubMed 24713400.

NM_007194.4(CHEK2):c.968_969del (p.Thr323fs)

Gene: CHEK2 (checkpoint kinase 2; minus strand). Cytogenetic location: 22q12.1.
Variant type: Deletion.
Coding change: c.968_969del on transcript NM_007194.4 (MANE Select); coding-DNA positions 968 to 969, 2 bases deleted (CC; older notation c.968_969delCC).
Protein change: p.Thr323fs; shifts the reading frame from threonine 323.
Molecular consequence: frameshift variant.
Genome position (GRCh38, 1-based): chr22:28,699,877-28,699,878, GG deleted on the plus strand (CC on the coding strand, the reverse complement: CHEK2 is on the minus strand). VCF-style (leftmost placement, unchanged base first): chr22-28699876-AGG-A. GRCh37 (hg19) VCF-style: chr22-29095864-AGG-A.
Other names: c.1097_1098delCC, p.Thr366Metfs (NM_001005735.3); c.305_306delCC, p.Thr102Metfs (NM_001257387.3); c.767_768delCC, p.Thr256Metfs (NM_001349956.3); c.968_969delCC, p.Thr323Metfs (NM_145862.3); short protein forms T102fs, T256fs, T323fs, T366fs.
Identifiers: ClinVar variation 1076590 (VCV001076590.8), dbSNP rs2145842905, ClinGen allele CA2499226071.